The following is an entry in ClinVar:

ClinVar aggregate classification (germline): Benign. Review status: criteria provided, multiple submitters, no conflicts (2 of 4 stars). 9 submissions from 9 submitters: Benign (8). 1 of the submissions does not count toward it. Last evaluated 2026-02-04.

Conditions:
Usher syndrome type 2C. Also called: Usher syndrome, type 2B; USHER SYNDROME, TYPE IIC. Identifiers: Orphanet 231178, Orphanet 886, MedGen C2931213, MONDO:0011558, OMIM 605472.
Febrile seizures, familial, 4 (FEB4). Also called: CONVULSIONS, FAMILIAL FEBRILE, 4. Identifiers: MedGen C1858493, MONDO:0011443, OMIM 604352.

Allele frequency attached by ClinVar (database versions not stated): ESP Exome Variant Server 0.30536; gnomAD 0.32486 and 0.32702; 1000 Genomes Project 30x 0.33682; 1000 Genomes Project 0.33726; TOPMed 0.34121; gnomAD exomes 0.34765 and 0.36385; ExAC 0.35417.
gnomAD v4.1: 557,139 of 1,612,646 alleles (35%); highest among the groups gnomAD compares: Admixed American, 55%; 98,953 homozygotes.

Submissions (9):

Labcorp Genetics (formerly Invitae), Labcorp
Classification: Benign. Last evaluated: 2026-02-04. Review status: criteria provided, single submitter. Criteria: Invitae Variant Classification Sherloc (09022015). Collection method: clinical testing. Allele origin: germline.

Fulgent Genetics
Classification: Benign for Febrile seizures, familial, 4; Usher syndrome type 2C. Last evaluated: 2021-08-11. Review status: criteria provided, single submitter. Criteria: ACMG Guidelines, 2015. Collection method: clinical testing. Allele origin: unknown.

Mayo Clinic Laboratories, Mayo Clinic
Classification: Benign. Last evaluated: 2020-10-02. Review status: criteria provided, single submitter. Criteria: ACMG Guidelines, 2015. Collection method: clinical testing. Allele origin: germline. Observed: 98 variant alleles.

Illumina Laboratory Services, Illumina
Classification: Benign for Usher syndrome type 2C. Last evaluated: 2018-01-13. Review status: criteria provided, single submitter. Criteria: ICSL Variant Classification Criteria 13 December 2019. Collection method: clinical testing. Allele origin: germline.
Comment: This variant was observed in the ICSL laboratory as part of a predisposition screen in an ostensibly healthy population. It had not been previously curated by ICSL or reported in the Human Gene Mutation Database (HGMD: prior to June 1st, 2018), and was therefore a candidate for classification through an automated scoring system. Utilizing variant allele frequency, disease prevalence and penetrance estimates, and inheritance mode, an automated score was calculated to assess if this variant is too frequent to cause the disease. Based on the score and internal cut-off values, a variant classified as benign is not then subjected to further curation. The score for this variant resulted in a classification of benign for this disease.

GeneDx
Classification: Benign. Last evaluated: 2015-03-03. Review status: criteria provided, single submitter. Criteria: GeneDx Variant Classification Process June 2021. Collection method: clinical testing. Allele origin: germline. Affected: yes.

Eurofins Ntd Llc (ga)
Classification: Benign. Last evaluated: 2014-06-22. Review status: criteria provided, single submitter. Criteria: EGL Classification Definitions 2015. Collection method: clinical testing. Allele origin: germline. Observed: 3 variant alleles, 2 heterozygotes, 1 homozygote.

Laboratory for Molecular Medicine, Mass General Brigham Personalized Medicine
Classification: Benign. Last evaluated: 2010-03-23. Review status: criteria provided, single submitter. Criteria: LMM Criteria. Collection method: clinical testing. Allele origin: germline. Observed: 1,059 variant alleles.

PreventionGenetics, part of Exact Sciences
Classification: Benign. Review status: criteria provided, single submitter. Criteria: ACMG Guidelines, 2015. Collection method: clinical testing. Allele origin: germline.

Genetic Services Laboratory, University of Chicago
Classification: Likely benign. Review status: no assertion criteria provided. Collection method: clinical testing. Allele origin: germline. Inheritance: Autosomal dominant inheritance. Not counted in ClinVar's aggregate classification.
Comment: Likely benign based on allele frequency in 1000 Genomes Project or ESP global frequency and its presence in a patient with a rare or unrelated disease phenotype. NOT Sanger confirmed

NM_032119.4(ADGRV1):c.5960C>T (p.Pro1987Leu)

Gene: ADGRV1 (adhesion G protein-coupled receptor V1; plus strand). Cytogenetic location: 5q14.3.
Variant type: single nucleotide variant.
Coding change: c.5960C>T on transcript NM_032119.4 (MANE Select); coding-DNA position 5960, C replaced by T.
Protein change: p.Pro1987Leu; replaces proline 1987 with leucine.
Molecular consequence: missense variant. On other transcripts: non-coding transcript variant (1).
Genome position (GRCh38, 1-based): chr5:90,683,881, C>T. VCF-style: chr5-90683881-C-T. GRCh37 (hg19) VCF-style: chr5-89979698-C-T.
Other names: short protein forms P1987L.
Identifiers: ClinVar variation 46345 (VCV000046345.30), dbSNP rs4916685, ClinGen allele CA138161.